The following is an entry in ClinVar:

NM_153816.6(SNX14):c.1690G>A (p.Ala564Thr)

Gene: SNX14 (sorting nexin 14; minus strand). Cytogenetic location: 6q14.3.
Variant type: single nucleotide variant.
Coding change: c.1690G>A on transcript NM_153816.6 (MANE Select); coding-DNA position 1690, G replaced by A.
Protein change: p.Ala564Thr; replaces alanine 564 with threonine.
Molecular consequence: missense variant. On other transcripts: non-coding transcript variant (6).
Genome position (GRCh38, 1-based): chr6:85,533,719, C>T on the plus strand (G>A on the coding strand, the complement: SNX14 is on the minus strand). VCF-style: chr6-85533719-C-T. GRCh37 (hg19) VCF-style: chr6-86243437-C-T.
Other names: c.1663G>A, p.Ala555Thr (NM_001297614.3, NM_001350541.2); c.1534G>A, p.Ala512Thr (NM_001304479.2); c.1753G>A, p.Ala585Thr (NM_001350532.2); c.1687G>A, p.Ala563Thr (NM_001350533.2, NM_001350535.2); c.1660G>A, p.Ala554Thr (NM_001350534.2); c.1558G>A, p.Ala520Thr (NM_001350536.2); c.1555G>A, p.Ala519Thr (NM_001350537.2); c.1546G>A, p.Ala516Thr (NM_001350538.2); and 9 more; short protein forms A170T, A179T, A214T, A416T, A464T, A467T, A468T, A511T.
Identifiers: ClinVar variation 1702600 (VCV001702600.4), dbSNP rs746552424, ClinGen allele CA3912055.

ClinVar aggregate classification (germline): Uncertain significance. Review status: criteria provided, multiple submitters, no conflicts (2 of 4 stars). 2 submissions from 2 submitters: Uncertain significance (2). Last evaluated 2022-08-09.

Allele frequency attached by ClinVar (database versions not stated): TOPMed 0.00004; gnomAD exomes 0.00005 and 0.00013; ExAC 0.00015.
gnomAD v4.1: 29 of 1,613,984 alleles (0.0018%); highest among the groups gnomAD compares: Admixed American, 0.048%; no homozygotes.

Submissions (2):

Labcorp Genetics (formerly Invitae), Labcorp
Classification: Uncertain significance. Last evaluated: 2022-08-09. Review status: criteria provided, single submitter. Criteria: Invitae Variant Classification Sherloc (09022015). Collection method: clinical testing. Allele origin: germline.
Comment: This sequence change replaces alanine, which is neutral and non-polar, with threonine, which is neutral and polar, at codon 564 of the SNX14 protein (p.Ala564Thr). This variant is present in population databases (rs746552424, gnomAD 0.09%). This variant has not been reported in the literature in individuals affected with SNX14-related conditions. Algorithms developed to predict the effect of missense changes on protein structure and function (SIFT, PolyPhen-2, Align-GVGD) all suggest that this variant is likely to be tolerated. In summary, the available evidence is currently insufficient to determine the role of this variant in disease. Therefore, it has been classified as a Variant of Uncertain Significance.

GeneDx
Classification: Uncertain significance. Last evaluated: 2022-02-16. Review status: criteria provided, single submitter. Criteria: GeneDx Variant Classification Process June 2021. Collection method: clinical testing. Allele origin: germline. Affected: yes.
Comment: In silico analysis supports that this missense variant does not alter protein structure/function; Has not been previously published as pathogenic or benign to our knowledge